The following is an entry in ClinVar:

ClinVar aggregate classification (germline): Uncertain significance (1 of 4 stars; one submission).

Conditions:
Congenital myasthenic syndrome 2A. Also called: Myasthenic syndrome, congenital, 2a, slow-channel. Identifiers: Orphanet 590, MedGen C4225374, MONDO:0014581, OMIM 616313.

gnomAD v4.1: 1 of 1,614,122 alleles (0.000062%); highest among the groups gnomAD compares: Admixed American, 0.0017%; no homozygotes.

Submission:

Labcorp Genetics (formerly Invitae), Labcorp
Classification: Uncertain significance for Congenital myasthenic syndrome 2A. Last evaluated: 2025-02-07. Review status: criteria provided, single submitter. Criteria: Invitae Variant Classification Sherloc (09022015). Collection method: clinical testing. Allele origin: germline.
Comment: This sequence change replaces glutamic acid, which is acidic and polar, with aspartic acid, which is acidic and polar, at codon 300 of the CHRNB1 protein (p.Glu300Asp). This variant is not present in population databases (gnomAD no frequency). This variant has not been reported in the literature in individuals affected with CHRNB1-related conditions. Invitae Evidence Modeling of protein sequence and biophysical properties (such as structural, functional, and spatial information, amino acid conservation, physicochemical variation, residue mobility, and thermodynamic stability) has been performed for this missense variant. However, the output from this modeling did not meet the statistical confidence thresholds required to predict the impact of this variant on CHRNB1 protein function. In summary, the available evidence is currently insufficient to determine the role of this variant in disease. Therefore, it has been classified as a Variant of Uncertain Significance.

NM_000747.3(CHRNB1):c.900G>C (p.Glu300Asp)

Gene: CHRNB1 (cholinergic receptor nicotinic beta 1 subunit; plus strand). Cytogenetic location: 17p13.1.
Variant type: single nucleotide variant.
Coding change: c.900G>C on transcript NM_000747.3 (MANE Select); coding-DNA position 900, G replaced by C.
Protein change: p.Glu300Asp; replaces glutamic acid 300 with aspartic acid.
Molecular consequence: missense variant.
Genome position (GRCh38, 1-based): chr17:7,454,376, G>C. VCF-style: chr17-7454376-G-C. GRCh37 (hg19) VCF-style: chr17-7357695-G-C.
Other names: short protein forms E300D.
Identifiers: ClinVar variation 4700894 (VCV004700894.1).